The following is an entry in ClinVar:

ClinVar aggregate classification (germline): Uncertain significance (1 of 4 stars; one submission).

Conditions:
Hearing loss, autosomal recessive. Also called: Deafness, autosomal recessive; Autosomal recessive nonsyndromic deafness; Rare autosomal recessive non-syndromic sensorineural deafness type DFNB; Nonsyndromic Hearing Loss, Recessive. Identifiers: Orphanet 90635, Orphanet 90636, MedGen C1846647, MONDO:0019588, OMIM 607197.

gnomAD v4.1: 3 of 1,431,990 alleles (0.00021%); highest among the groups gnomAD compares: South Asian, 0.0016%; no homozygotes.

Submission:

Laboratory of Human Genetics, Universidade de São Paulo
Classification: Uncertain significance for Hearing loss, autosomal recessive. Last evaluated: 2024-05-01. Review status: criteria provided, single submitter. Criteria: ClinGen HL ACMG Specifications v1. Collection method: research. Allele origin: unknown. Affected: yes. Observed: 1 variant allele.
Comment: The OTOG:NM_001277269.2:c.576G>T variant is associated with a recessive disorder, detected in trans with a pathogenic variant, in compound heterozygous state in affected cases (PM3), has extremely low frequency in gnomAD population databases (PM2), computational prediction tools unanimously support a deleterious effect on the gene (PP3).

NM_001292063.2(OTOG):c.540G>T (p.Gln180His)

Gene: OTOG (otogelin; plus strand). Cytogenetic location: 11p15.1.
Variant type: single nucleotide variant.
Coding change: c.540G>T on transcript NM_001292063.2 (MANE Select); coding-DNA position 540, G replaced by T.
Protein change: p.Gln180His; replaces glutamine 180 with histidine.
Molecular consequence: missense variant.
Genome position (GRCh38, 1-based): chr11:17,553,519, G>T. VCF-style: chr11-17553519-G-T. GRCh37 (hg19) VCF-style: chr11-17575066-G-T.
Other names: c.576G>T, p.Gln192His (NM_001277269.2); short protein forms Q180H, Q192H.
Identifiers: ClinVar variation 3340150 (VCV003340150.1).
Genomic context (GRCh38, chr11:17,553,519, plus strand): 5'-AAAGGGCAGCTACACCCTGGTGGGTCGCCATGAGCCCGAGGGACAGAGCTTCTCCATCCA[G>T]GTGAGGCCTCCCCTGCCTTGCCTGTCCAGGAATGCTTCTCTAGGCCCTGGAGGCTGCACT-3'
Protein context (NP_001278992.1, residues 170-190): HEPEGQSFSI[Gln180His]VHNDPQCGSS